The following is an entry in ClinVar:

NM_020631.6(PLEKHG5):c.705C>T (p.Ser235=)

Gene: PLEKHG5 (pleckstrin homology and RhoGEF domain containing G5; minus strand). Cytogenetic location: 1p36.31.
Variant type: single nucleotide variant.
Coding change: c.705C>T on transcript NM_020631.6 (MANE Select); coding-DNA position 705, C replaced by T.
Protein change: p.Ser235=; no amino-acid change (serine 235 retained).
Molecular consequence: synonymous variant.
Genome position (GRCh38, 1-based): chr1:6,473,341, G>A on the plus strand (C>T on the coding strand, the complement: PLEKHG5 is on the minus strand). VCF-style: chr1-6473341-G-A. GRCh37 (hg19) VCF-style: chr1-6533401-G-A.
Other names: c.816C>T, p.Ser272= (NM_001042663.3, NM_001265592.2); c.705C>T, p.Ser235= (NM_001042664.2, NM_001042665.2, NM_001265594.3 and 1 more transcripts); c.912C>T, p.Ser304= (NM_001265593.2); c.705C>T (NM_020631.4).
Identifiers: ClinVar variation 1078342 (VCV001078342.10), dbSNP rs573567464, ClinGen allele CA561773.

ClinVar aggregate classification (germline): Likely benign. Review status: criteria provided, multiple submitters, no conflicts (2 of 4 stars). 2 submissions from 2 submitters: Likely benign (2). Last evaluated 2025-12-13.

Conditions:
Charcot-Marie-Tooth disease recessive intermediate C. Also called: CHARCOT-MARIE-TOOTH NEUROPATHY, RECESSIVE INTERMEDIATE C. Identifiers: Orphanet 369867, MedGen C3809309, MONDO:0014154, OMIM 615376.
Neuronopathy, distal hereditary motor, autosomal recessive 4. Also called: Autosomal recessive lower motor neuron disease with childhood onset; NEUROPATHY, DISTAL HEREDITARY MOTOR, AUTOSOMAL RECESSIVE 4. Identifiers: Orphanet 206580, MedGen C1970211, MONDO:0012608, OMIM 611067.
PLEKHG5-related disorder. Also called: PLEKHG5-related condition.

Allele frequency attached by ClinVar (database versions not stated): gnomAD 0.00001; TOPMed 0.00001; gnomAD exomes 0.00002 and 0.00003; ExAC 0.00006; 1000 Genomes Project 30x 0.00016; 1000 Genomes Project 0.00020.
gnomAD v4.1: 41 of 1,553,480 alleles (0.0026%); highest among the groups gnomAD compares: Non-Finnish European, 0.0034%; no homozygotes.

Submissions (2):

Labcorp Genetics (formerly Invitae), Labcorp
Classification: Likely benign for Neuronopathy, distal hereditary motor, autosomal recessive 4; Charcot-Marie-Tooth disease recessive intermediate C. Last evaluated: 2025-12-13. Review status: criteria provided, single submitter. Criteria: Invitae Variant Classification Sherloc (09022015). Collection method: clinical testing. Allele origin: germline.

PreventionGenetics, part of Exact Sciences
Classification: Likely benign for PLEKHG5-related condition. Last evaluated: 2025-04-08. Review status: criteria provided, single submitter. Criteria: ACMG Guidelines, 2015. Collection method: clinical testing. Allele origin: germline.
Comment: This variant is classified as likely benign based on ACMG/AMP sequence variant interpretation guidelines (Richards et al. 2015 PMID: 25741868, with internal and published modifications).